The following is an entry in ClinVar:

NM_013335.4(GMPPA):c.1053C>G (p.Ala351=)

Genes: ASIC4-AS1 (ASIC4 antisense RNA 1; minus strand), GMPPA (GDP-mannose pyrophosphorylase A; plus strand). Cytogenetic location: 2q35.
Variant type: single nucleotide variant.
Coding change: c.1053C>G on transcript NM_013335.4 (MANE Select); coding-DNA position 1053, C replaced by G.
Protein change: p.Ala351=; no amino-acid change (alanine 351 retained).
Molecular consequence: synonymous variant.
Genome position (GRCh38, 1-based): chr2:219,506,313, C>G. VCF-style: chr2-219506313-C-G. GRCh37 (hg19) VCF-style: chr2-220371035-C-G.
Other names: p.Ala351=; c.1053C>G, p.Ala351= (NM_205847.3).
Identifiers: ClinVar variation 380034 (VCV000380034.14), dbSNP rs1046474, ClinGen allele CA2128412.

ClinVar aggregate classification (germline): Benign. Review status: criteria provided, multiple submitters, no conflicts (2 of 4 stars). 5 submissions from 5 submitters: Benign (5). Last evaluated 2026-01-28.

Conditions:
Alacrima, achalasia, and impaired intellectual development syndrome. Also called: Alacrima, achalasia, and mental retardation syndrome; Alacrima, achalasia, and intellectual disability syndrome. Identifiers: Orphanet 869, MedGen C4706563, MONDO:0014219, OMIM 615510.

Allele frequency attached by ClinVar (database versions not stated): 1000 Genomes Project 0.05252; TOPMed 0.11110; gnomAD 0.11761 and 0.11414; ESP Exome Variant Server 0.12310; ExAC 0.10809; gnomAD exomes 0.11107; 1000 Genomes Project 30x 0.05387.

Submissions (5):

Labcorp Genetics (formerly Invitae), Labcorp
Classification: Benign for Alacrima, achalasia, and impaired intellectual development syndrome. Last evaluated: 2026-01-28. Review status: criteria provided, single submitter. Criteria: Invitae Variant Classification Sherloc (09022015). Collection method: clinical testing. Allele origin: germline.

Genome-Nilou Lab
Classification: Benign for Alacrima, achalasia, and impaired intellectual development syndrome. Last evaluated: 2021-08-10. Review status: criteria provided, single submitter. Criteria: ACMG Guidelines, 2015. Collection method: clinical testing. Allele origin: germline. Affected: no.

Mayo Clinic Laboratories, Mayo Clinic
Classification: Benign. Last evaluated: 2019-02-07. Review status: criteria provided, single submitter. Criteria: ACMG Guidelines, 2015. Collection method: clinical testing. Allele origin: germline. Observed: 60 variant alleles.

GeneDx
Classification: Benign. Last evaluated: 2015-12-04. Review status: criteria provided, single submitter. Criteria: GeneDx Variant Classification (06012015). Collection method: clinical testing. Allele origin: germline. Affected: yes.
Comment: This variant is considered likely benign or benign based on one or more of the following criteria: it is a conservative change, it occurs at a poorly conserved position in the protein, it is predicted to be benign by multiple in silico algorithms, and/or has population frequency not consistent with disease.

Breakthrough Genomics
Classification: Benign. Review status: criteria provided, single submitter. Criteria: ACMG Guidelines, 2015. Collection method: not provided. Allele origin: germline. Inheritance: Autosomal recessive inheritance. Affected: yes.